The following is an entry in ClinVar:

NM_001999.4(FBN2):c.3217+6T>G

Genes: FBN2 (fibrillin 2; minus strand), LOC126807501 (BRD4-independent group 4 enhancer GRCh37_chr5:127680731-127681930; plus strand). Cytogenetic location: 5q23.3.
Variant type: single nucleotide variant.
Coding change: c.3217+6T>G on transcript NM_001999.4 (MANE Select); 6 bases into the intron after coding-DNA position 3217, T replaced by G.
Molecular consequence: intron variant.
Genome position (GRCh38, 1-based): chr5:128,345,351, A>C on the plus strand (T>G on the coding strand, the complement: FBN2 is on the minus strand). VCF-style: chr5-128345351-A-C. GRCh37 (hg19) VCF-style: chr5-127681043-A-C.
Identifiers: ClinVar variation 4775312 (VCV004775312.1).

ClinVar aggregate classification (germline): Uncertain significance (1 of 4 stars; one submission).

Conditions:
Congenital contractural arachnodactyly (CCA). Also called: BEALS SYNDROME; Arthrogryposis, distal, type 9; Beals-Hecht syndrome. Identifiers: Orphanet 115, MedGen C0220668, MONDO:0007363, OMIM 121050.

Submission:

Labcorp Genetics (formerly Invitae), Labcorp
Classification: Uncertain significance for Congenital contractural arachnodactyly. Last evaluated: 2025-03-24. Review status: criteria provided, single submitter. Criteria: Invitae Variant Classification Sherloc (09022015). Collection method: clinical testing. Allele origin: germline.
Comment: This sequence change falls in intron 24 of the FBN2 gene. It does not directly change the encoded amino acid sequence of the FBN2 protein. It affects a nucleotide within the consensus splice site. This variant is not present in population databases (gnomAD no frequency). This variant has not been reported in the literature in individuals affected with FBN2-related conditions. Variants that disrupt the consensus splice site are a relatively common cause of aberrant splicing (PMID: 17576681, 9536098). Algorithms developed to predict the effect of sequence changes on RNA splicing suggest that this variant is not likely to affect RNA splicing. In summary, the available evidence is currently insufficient to determine the role of this variant in disease. Therefore, it has been classified as a Variant of Uncertain Significance.

Literature cited by the submitters: PubMed 17576681; PubMed 9536098.